The following is an entry in ClinVar:

NM_001127644.2(GABRA1):c.1004A>T (p.Asn335Ile)

Gene: GABRA1 (gamma-aminobutyric acid type A receptor subunit alpha1; plus strand). Cytogenetic location: 5q34.
Variant type: single nucleotide variant.
Coding change: c.1004A>T on transcript NM_001127644.2 (MANE Select); coding-DNA position 1004, A replaced by T.
Protein change: p.Asn335Ile; replaces asparagine 335 with isoleucine.
Molecular consequence: missense variant.
Genome position (GRCh38, 1-based): chr5:161,895,813, A>T. VCF-style: chr5-161895813-A-T. GRCh37 (hg19) VCF-style: chr5-161322819-A-T.
Other names: c.1004A>T, p.Asn335Ile (NM_000806.5, NM_001127643.2, NM_001127645.2 and 1 more transcripts); short protein forms N335I.
Identifiers: ClinVar variation 644880 (VCV000644880.8), dbSNP rs1581220295, ClinGen allele CA362180386.

ClinVar aggregate classification (germline): Uncertain significance (1 of 4 stars; one submission).

Conditions:
Epilepsy, idiopathic generalized, susceptibility to, 13. Also called: EPILEPSY, JUVENILE MYOCLONIC, SUSCEPTIBILITY TO, 5. Identifiers: Orphanet 307, Orphanet 64280, MedGen C4013473, MONDO:0012627, OMIM 611136.
Epilepsy, childhood absence 4 (ECA4). Also called: EPILEPSY, CHILDHOOD ABSENCE, SUSCEPTIBILITY TO, 4. Identifiers: Orphanet 307, MedGen C1970160.
Idiopathic generalized epilepsy. Also called: Generalised epilepsy; EIG. Identifiers: MedGen C0270850, MONDO:0005579, OMIM 600669.

Submission:

Labcorp Genetics (formerly Invitae), Labcorp
Classification: Uncertain significance for Epilepsy, childhood absence 4; Epilepsy, idiopathic generalized, susceptibility to, 13; Idiopathic generalized epilepsy. Last evaluated: 2022-09-01. Review status: criteria provided, single submitter. Criteria: Invitae Variant Classification Sherloc (09022015). Collection method: clinical testing. Allele origin: germline.
Comment: In summary, the available evidence is currently insufficient to determine the role of this variant in disease. Therefore, it has been classified as a Variant of Uncertain Significance. Algorithms developed to predict the effect of missense changes on protein structure and function are either unavailable or do not agree on the potential impact of this missense change (SIFT: "Deleterious"; PolyPhen-2: "Probably Damaging"; Align-GVGD: "Class C15"). ClinVar contains an entry for this variant (Variation ID: 644880). This missense change has been observed in at least one individual who was not affected with GABRA1-related conditions (Invitae). This variant has not been reported in the literature in individuals affected with GABRA1-related conditions. This variant is not present in population databases (gnomAD no frequency). This sequence change replaces asparagine, which is neutral and polar, with isoleucine, which is neutral and non-polar, at codon 335 of the GABRA1 protein (p.Asn335Ile).